The following is an entry in ClinVar:

NM_004364.5(CEBPA):c.313_315dup (p.Asp105dup)

Gene: CEBPA (CCAAT enhancer binding protein alpha; minus strand). Cytogenetic location: 19q13.11.
Variant type: Duplication.
Coding change: c.313_315dup on transcript NM_004364.5 (MANE Select); coding-DNA positions 313 to 315, 3 bases duplicated (GAC; older notation c.313_315dupGAC).
Protein change: p.Asp105dup; duplicates aspartic acid 105.
Molecular consequence: inframe insertion. On other transcripts: 5 prime UTR variant (1).
Genome position (GRCh38, 1-based): chr19:33,302,100-33,302,102, GTC duplicated on the plus strand (GAC on the coding strand, the reverse complement: CEBPA is on the minus strand); duplicating any 3 consecutive bases within chr19:33,302,100-33,302,103 gives the same sequence; the c. name uses the placement nearest the transcript's 3' end. VCF-style (leftmost placement, unchanged base first): chr19-33302099-A-AGTC. GRCh37 (hg19) VCF-style: chr19-33793005-A-AGTC.
Other names: c.313_315dupGAC (NM_004364.4); c.-45_-43dup (NM_001285829.2); c.418_420dup, p.Asp140dup (NM_001287424.2); c.271_273dup, p.Asp91dup (NM_001287435.2).
Identifiers: ClinVar variation 566108 (VCV000566108.10), dbSNP rs1568420047, ClinGen allele CA891844314.

ClinVar aggregate classification (germline): Uncertain significance (1 of 4 stars; one submission).

Conditions:
Acute myeloid leukemia (AML). Also called: Leukemia, acute myeloid, somatic; Leukemia, acute myelogenous, somatic; Acute myeloid leukemia, adult; AML adult; Acute non-lymphocytic leukemia; Acute granulocytic leukemia. Identifiers: Orphanet 519, MedGen C0023467, MeSH D015470, MONDO:0018874, OMIM 601626, HP:0004808. Disease mechanism: Constitutively activated FLT3.

Submission:

Labcorp Genetics (formerly Invitae), Labcorp
Classification: Uncertain significance for Acute myeloid leukemia. Last evaluated: 2022-06-10. Review status: criteria provided, single submitter. Criteria: Invitae Variant Classification Sherloc (09022015). Collection method: clinical testing. Allele origin: germline.
Comment: ClinVar contains an entry for this variant (Variation ID: 566108). In summary, the available evidence is currently insufficient to determine the role of this variant in disease. Therefore, it has been classified as a Variant of Uncertain Significance. Experimental studies and prediction algorithms are not available or were not evaluated, and the functional significance of this variant is currently unknown. This variant has not been reported in the literature in individuals affected with CEBPA-related conditions. This variant is not present in population databases (gnomAD no frequency). This variant, c.313_315dup, results in the insertion of 1 amino acid(s) of the CEBPA protein (p.Asp105dup), but otherwise preserves the integrity of the reading frame.